The following is an entry in ClinVar:

NM_001134407.3(GRIN2A):c.1511G>C (p.Arg504Pro)

Gene: GRIN2A (glutamate ionotropic receptor NMDA type subunit 2A; minus strand). Cytogenetic location: 16p13.2.
Variant type: single nucleotide variant.
Coding change: c.1511G>C on transcript NM_001134407.3 (MANE Select); coding-DNA position 1511, G replaced by C.
Protein change: p.Arg504Pro; replaces arginine 504 with proline.
Molecular consequence: missense variant.
Genome position (GRCh38, 1-based): chr16:9,840,787, C>G on the plus strand (G>C on the coding strand, the complement: GRIN2A is on the minus strand). VCF-style: chr16-9840787-C-G. GRCh37 (hg19) VCF-style: chr16-9934644-C-G.
Other names: c.1511G>C, p.Arg504Pro (NM_000833.5, NM_001134408.2); short protein forms R504P.
Identifiers: ClinVar variation 3102466 (VCV003102466.1), dbSNP rs1331671132, ClinGen allele CA394800470.

ClinVar aggregate classification (germline): Uncertain significance (1 of 4 stars; one submission).

Conditions:
Inborn genetic diseases. Identifiers: MedGen C0950123, MeSH D030342.

Submission:

Ambry Genetics
Classification: Uncertain significance for Inborn genetic diseases. Last evaluated: 2023-11-20. Review status: criteria provided, single submitter. Criteria: Ambry Variant Classification Scheme 2023. Collection method: clinical testing. Allele origin: germline.
Comment: The c.1511G>C (p.R504P) alteration is located in exon 8 (coding exon 6) of the GRIN2A gene. This alteration results from a G to C substitution at nucleotide position 1511, causing the arginine (R) at amino acid position 504 to be replaced by a proline (P). This variant was not reported in population-based cohorts in the Genome Aggregation Database (gnomAD). This amino acid position is well conserved in available vertebrate species. This missense alteration is located in a region that has a low rate of benign missense variation (Lek, 2016; Firth, 2009). The in silico prediction for this alteration is inconclusive. Based on insufficient or conflicting evidence, the clinical significance of this alteration remains unclear.